The following is an entry in ClinVar:

NC_000002.12:g.47806780del

Gene: MSH6 (mutS homolog 6; plus strand). Cytogenetic location: 2p16.3.
Variant type: Deletion.
Molecular consequence: intron variant (on NM_001406808.1).
Genome position: GRCh38 VCF-style: chr2-47806777-AG-A. GRCh37 (hg19) VCF-style: chr2-48033916-AG-A.
Other names: c.4002-4del (NM_001406808.1); c.3705-4del (NM_001406801.1, NM_001406822.1).
Identifiers: ClinVar variation 3073180 (VCV003073180.1), dbSNP rs1670207159, ClinGen allele CA2658970262.
Genomic context (GRCh38, chr2:47,806,777, plus strand): 5'-GGAAGGGATGATGCACTATGAAAAAACAAAAAAACTTTTTTTTTTTTTTTTTTAATTTTA[AG>A]GGAAGTTTGCCTGGCTAGTGAAAGGTCAACTGTAGATGCTGAAGCTGTCCATAAATTGCT-3'

ClinVar aggregate classification (germline): Uncertain significance. Review status: criteria provided, multiple submitters, no conflicts (2 of 4 stars). 2 submissions from 2 submitters: Uncertain significance (2). Last evaluated 2025-10-15.

Conditions:
Lynch syndrome. Identifiers: Orphanet 144, MedGen C4552100, MONDO:0005835. Disease mechanism: loss of function.
Hereditary cancer-predisposing syndrome. Also called: Tumor predisposition; Hereditary Cancer Syndrome; Hereditary neoplastic syndrome; Neoplastic Syndromes, Hereditary. Identifiers: Orphanet 140162, MedGen C0027672, MeSH D009386, MONDO:0015356.

Submissions (2):

Ambry Genetics
Classification: Uncertain significance for Hereditary cancer-predisposing syndrome. Last evaluated: 2025-10-15. Review status: criteria provided, single submitter. Criteria: Ambry Variant Classification Scheme 2023. Collection method: clinical testing. Allele origin: germline.
Comment: The c.4003delG variant, located in coding exon 10 of the MSH6 gene, results from a deletion of one nucleotide at nucleotide position 4003, causing a translational frameshift with a predicted alternate stop codon (p.E1335Kfs*11). This alteration occurs at the 3' terminus of the gene, is not expected to trigger nonsense-mediated mRNA decay and impacts the last 26 amino acids of the protein. The exact functional effect of this alteration is unknown. This variant was detected in a cohort of 151 patients diagnosed with epithelial breast cancer in the southernmost region of Thailand (Sukpan P et al. J Pers Med, 2023 Nov;13:). Based on the available evidence, the clinical significance of this variant remains unclear.

All of Us Research Program, National Institutes of Health
Classification: Uncertain significance for Lynch syndrome. Last evaluated: 2023-08-28. Review status: criteria provided, single submitter. Criteria: ACMG Guidelines, 2015. Collection method: clinical testing. Allele origin: germline. Inheritance: Autosomal dominant inheritance. Observed: 1 variant allele, 1 heterozygote.
Comment: This variant deletes 1 nucleotide in exon 10 of the MSH6 gene, creating a frameshift and premature translation stop signal. This mutant transcript is predicted to escape nonsense-mediated decay and be expressed as a truncated protein with the C-terminal 26 amino acids replace by 10 different residues. However, the clinical relevance of the loss of this C-terminal region is not known. This variant has not been reported in individuals affected with MSH6-related disorders in the literature. This variant has not been identified in the general population by the Genome Aggregation Database (gnomAD). Loss of MSH6 function is a known mechanism of disease. The available evidence is insufficient to determine the role of this variant in disease conclusively. Therefore, this variant is classified as a Variant of Uncertain Significance.

This study involves interpretation of variants in research participants for the purpose of population health screening. Participant phenotype was not available at the time of variant classification. Additional details can be found in publication PMID: 35346344, PMCID: PMC8962531

Literature cited by the submitters: PubMed 38003901 (cited by Ambry Genetics).